The following is an entry in ClinVar:

NM_031885.5(BBS2):c.266A>G (p.Tyr89Cys)

Gene: BBS2 (Bardet-Biedl syndrome 2; minus strand). Cytogenetic location: 16q13.
Variant type: single nucleotide variant.
Coding change: c.266A>G on transcript NM_031885.5 (MANE Select); coding-DNA position 266, A replaced by G.
Protein change: p.Tyr89Cys; replaces tyrosine 89 with cysteine.
Molecular consequence: missense variant. On other transcripts: non-coding transcript variant (5).
Genome position (GRCh38, 1-based): chr16:56,514,532, T>C on the plus strand (A>G on the coding strand, the complement: BBS2 is on the minus strand). VCF-style: chr16-56514532-T-C. GRCh37 (hg19) VCF-style: chr16-56548444-T-C.
Other names: c.266A>G, p.Tyr89Cys (NM_001377456.1); short protein forms Y89C.
Identifiers: ClinVar variation 704378 (VCV000704378.20), dbSNP rs560910758, ClinGen allele CA8066088.

ClinVar aggregate classification (germline): Conflicting classifications of pathogenicity. Review status: criteria provided, conflicting classifications (1 of 4 stars). 6 submissions from 6 submitters: Uncertain significance (1); Benign (2); Likely benign (1). 2 of the submissions do not count toward it. Last evaluated 2026-02-01.

Conditions:
BBS2-related disorder. Also called: BBS2-related condition; BBS2-related disorders. Identifiers: MedGen CN239228.
Bardet-Biedl syndrome (BBS). Identifiers: Orphanet 110, MedGen C0752166, MONDO:0015229.
Bardet-Biedl syndrome 2 (BBS2). Identifiers: Orphanet 110, MedGen C2936863, MONDO:0014432, OMIM 615981.

Allele frequency attached by ClinVar (database versions not stated): gnomAD below 0.00001 and 0.00015; TOPMed 0.00002; gnomAD exomes 0.00021 and 0.00042; ExAC 0.00050; 1000 Genomes Project 30x 0.00109; 1000 Genomes Project 0.00120.
gnomAD v4.1: 330 of 1,614,174 alleles (0.02%); highest among the groups gnomAD compares: South Asian, 0.34%; 3 homozygotes.

Submissions (6):

Labcorp Genetics (formerly Invitae), Labcorp
Classification: Benign for Bardet-Biedl syndrome. Last evaluated: 2026-02-01. Review status: criteria provided, single submitter. Criteria: Invitae Variant Classification Sherloc (09022015). Collection method: clinical testing. Allele origin: germline.

Blueprint Genetics
Classification: Likely benign. Last evaluated: 2024-10-23. Review status: criteria provided, single submitter. Criteria: ACMG Guidelines, 2015. Collection method: clinical testing. Allele origin: germline.

Women's Health and Genetics/Laboratory Corporation of America, LabCorp
Classification: Benign. Last evaluated: 2022-02-22. Review status: criteria provided, single submitter. Criteria: LabCorp Variant Classification Summary - May 2015. Collection method: clinical testing. Allele origin: germline.
Comment: Variant summary: BBS2 c.266A>G (p.Tyr89Cys) results in a non-conservative amino acid change located in the Ciliary BBSome complex subunit 2, N-terminal domain (IPR029430) of the encoded protein sequence. Four of five in-silico tools predict a benign effect of the variant on protein function. The variant allele was found at a frequency of 0.00042 in 251468 control chromosomes, predominantly at a frequency of 0.0033 within the South Asian subpopulation in the gnomAD database, including 3 homozygotes. The observed variant frequency within South Asian control individuals in the gnomAD database is approximately 3.3 fold of the estimated maximal expected allele frequency for a pathogenic variant in BBS2 causing Bardet-Biedl Syndrome phenotype (0.00098), strongly suggesting that the variant is a benign polymorphism found primarily in populations of South Asian origin. To our knowledge, no penetrant association of c.266A>G in individuals affected with Bardet-Biedl Syndrome and no experimental evidence demonstrating its impact on protein function have been reported. Three clinical diagnostic laboratories have submitted clinical-significance assessments for this variant to ClinVar after 2014 without evidence for independent evaluation (Benign, n=2; VUS, n=1). Based on the evidence outlined above, the variant was classified as benign.

Illumina Laboratory Services, Illumina
Classification: Uncertain significance for Bardet-Biedl syndrome 2. Last evaluated: 2017-04-27. Review status: criteria provided, single submitter. Criteria: ICSL Variant Classification Criteria 13 December 2019. Collection method: clinical testing. Allele origin: germline.
Comment: This variant was observed as part of a predisposition screen in an ostensibly healthy population. A literature search was performed for the gene, cDNA change, and amino acid change (where applicable). Publications were found based on this search. However, the evidence from the literature, in combination with allele frequency data from public databases where available, was not sufficient to rule this variant in or out of causing disease. Therefore, this variant is classified as a variant of unknown significance.

Natera, Inc.
Classification: Benign for Bardet-Biedl syndrome type 2. Last evaluated: 2020-09-16. Review status: no assertion criteria provided. Collection method: clinical testing. Allele origin: germline. Not counted in ClinVar's aggregate classification.

PreventionGenetics, part of Exact Sciences
Classification: Likely benign for BBS2-related condition. Last evaluated: 2020-01-06. Review status: no assertion criteria provided. Collection method: clinical testing. Allele origin: germline. Not counted in ClinVar's aggregate classification.
Comment: This variant is classified as likely benign based on ACMG/AMP sequence variant interpretation guidelines (Richards et al. 2015 PMID: 25741868, with internal and published modifications).

Literature cited by the submitters: PubMed 20177705 (cited by Illumina Laboratory Services, Illumina).